The following is an entry in ClinVar:

ClinVar aggregate classification (germline): other (0 of 4 stars; one submission).

Conditions:
Familial colorectal cancer. Identifiers: MedGen CN280943, MONDO:0023113. Disease mechanism: loss of function.

Submission:

Systems Biology Platform Zhejiang California International NanoSystems Institute
Classification: other for Familial colorectal cancer. Review status: no assertion criteria provided. Collection method: not provided. Allele origin: unknown.
ClinVar note: Converted during submission from cancer to other.

NM_001127511.3(APC):c.165+27966C>A

Gene: APC (APC regulator of Wnt signaling pathway; plus strand). Cytogenetic location: 5q22.2.
Variant type: single nucleotide variant.
Coding change: c.165+27966C>A on transcript NM_001127511.3; 27966 bases into the intron after coding-DNA position 165, C replaced by A.
Molecular consequence: intron variant.
Genome position (GRCh38, 1-based): chr5:112,735,848, C>A. VCF-style: chr5-112735848-C-A. GRCh37 (hg19) VCF-style: chr5-112071545-C-A.
Other names: c.-1053-19025C>A (NM_001407470.1, NM_001407472.1); c.-18-19025C>A (NM_001407447.1, NM_001354895.2, NM_001407456.1 and 7 more transcripts); c.165+27966C>A (NM_001407446.1, NM_001354897.2, NM_001354902.2); c.-43+28199C>A (NM_001407453.1).
Identifiers: ClinVar variation 82321 (VCV000082321.4), dbSNP rs76804233, ClinGen allele CA023619.